The following is an entry in ClinVar:

ClinVar aggregate classification (germline): Uncertain significance (1 of 4 stars; one submission).

Allele frequency attached by ClinVar (database versions not stated): gnomAD exomes below 0.00001; TOPMed below 0.00001; gnomAD 0.00001.
gnomAD v4.1: 4 of 1,614,010 alleles (0.00025%); highest among the groups gnomAD compares: African/African-American, 0.0013%; no homozygotes.

Submission:

CeGaT Center for Human Genetics Tuebingen
Classification: Uncertain significance. Last evaluated: 2022-10-01. Review status: criteria provided, single submitter. Criteria: CeGaT Center For Human Genetics Tuebingen Variant Classification Criteria Version 2. Collection method: clinical testing. Allele origin: germline. Affected: yes. Observed: 1 variant allele.
Comment: HSPA1L: PM2:Supporting

NM_005527.4(HSPA1L):c.1109C>T (p.Ala370Val)

Gene: HSPA1L (heat shock protein family A (Hsp70) member 1 like; minus strand). Cytogenetic location: 6p21.33.
Variant type: single nucleotide variant.
Coding change: c.1109C>T on transcript NM_005527.4 (MANE Select); coding-DNA position 1109, C replaced by T.
Protein change: p.Ala370Val; replaces alanine 370 with valine.
Molecular consequence: missense variant.
Genome position (GRCh38, 1-based): chr6:31,810,864, G>A on the plus strand (C>T on the coding strand, the complement: HSPA1L is on the minus strand). VCF-style: chr6-31810864-G-A. GRCh37 (hg19) VCF-style: chr6-31778641-G-A.
Other names: short protein forms A370V.
Identifiers: ClinVar variation 2656429 (VCV002656429.24), dbSNP rs1428221917, ClinGen allele CA363381480.